The following is an entry in ClinVar:

NM_014946.4(SPAST):c.1841C>T (p.Thr614Ile)

Gene: SPAST (spastin; plus strand). Cytogenetic location: 2p22.3.
Variant type: single nucleotide variant.
Coding change: c.1841C>T on transcript NM_014946.4 (MANE Select); coding-DNA position 1841, C replaced by T.
Protein change: p.Thr614Ile; replaces threonine 614 with isoleucine.
Molecular consequence: missense variant. On other transcripts: 3 prime UTR variant (1).
Genome position (GRCh38, 1-based): chr2:32,154,486, C>T. VCF-style: chr2-32154486-C-T. GRCh37 (hg19) VCF-style: chr2-32379555-C-T.
Other names: c.1838C>T, p.Thr613Ile (NM_001363823.2); c.1742C>T, p.Thr581Ile (NM_001363875.2); c.*114C>T (NM_001377959.1); c.1745C>T, p.Thr582Ile (NM_199436.2); short protein forms T581I, T613I, T582I, T614I.
Identifiers: ClinVar variation 801666 (VCV000801666.16), dbSNP rs1573186691, ClinGen allele CA346505770.

ClinVar aggregate classification (germline): Pathogenic/Likely pathogenic. Review status: criteria provided, multiple submitters, no conflicts (2 of 4 stars). 6 submissions from 6 submitters: Pathogenic (2); Likely pathogenic (4). Last evaluated 2026-01-07.

Conditions:
Hereditary spastic paraplegia. Also called: Familial spastic paraparesis. Identifiers: Orphanet 685, MedGen C0037773, MONDO:0019064. Disease mechanism: loss of function.
Hereditary spastic paraplegia 4. Also called: Familial spastic paraplegia autosomal dominant 2; Spastic paraplegia 4, autosomal dominant; Spastic Paraplegia 4. Identifiers: Orphanet 100985, MedGen C1866855, MONDO:0008438, OMIM 182601.

Submissions (6):

GeneDx
Classification: Likely pathogenic. Last evaluated: 2026-01-07. Review status: criteria provided, single submitter. Criteria: GeneDx Variant Classification Process June 2021. Collection method: clinical testing. Allele origin: germline.
Comment: Not observed at significant frequency in large population cohorts (gnomAD); In silico analysis suggests that this missense variant does not alter protein structure/function; This variant is associated with the following publications: (PMID: 15159500, 21834905, 35372684, 30489674, 31751864)

Variantyx, Inc.
Classification: Likely pathogenic for Hereditary spastic paraplegia 4. Last evaluated: 2025-07-15. Review status: criteria provided, single submitter. Criteria: Variantyx Assertion Criteria 2022. Collection method: clinical testing. Allele origin: germline. Inheritance: Autosomal dominant inheritance. Affected: yes.
Comment: This is a nonsynonymous variant in the SPAST gene (OMIM: 604277). Pathogenic variants in this gene have been associated with autosomal dominant spastic paraplegia 4. This variant has been reported in several unrelated affected individual (PMID: 15159500, 21834905) (PS4_Moderate) and it has been observed to segregate with disease in at least 10 individuals from one family (PMID: 15159500 ) (PP1). This variant is absent from control populations (PM2). Based on the current evidence, this variant is classified as likely pathogenic for autosomal dominant spastic paraplegia 4.

Labcorp Genetics (formerly Invitae), Labcorp
Classification: Pathogenic for Hereditary spastic paraplegia 4. Last evaluated: 2022-11-29. Review status: criteria provided, single submitter. Criteria: Invitae Variant Classification Sherloc (09022015). Collection method: clinical testing. Allele origin: germline.
Comment: For these reasons, this variant has been classified as Pathogenic. Advanced modeling of protein sequence and biophysical properties (such as structural, functional, and spatial information, amino acid conservation, physicochemical variation, residue mobility, and thermodynamic stability) has been performed at Invitae for this missense variant, however the output from this modeling did not meet the statistical confidence thresholds required to predict the impact of this variant on SPAST protein function. This sequence change replaces threonine, which is neutral and polar, with isoleucine, which is neutral and non-polar, at codon 614 of the SPAST protein (p.Thr614Ile). This variant is not present in population databases (gnomAD no frequency). This missense change has been observed in individuals with hereditary spastic paraplegia (PMID: 15159500, 21834905). It has also been observed to segregate with disease in related individuals. ClinVar contains an entry for this variant (Variation ID: 801666).

Women's Health and Genetics/Laboratory Corporation of America, LabCorp
Classification: Likely pathogenic for Hereditary spastic paraplegia 4. Last evaluated: 2021-12-15. Review status: criteria provided, single submitter. Criteria: LabCorp Variant Classification Summary - May 2015. Collection method: clinical testing. Allele origin: germline.
Comment: Variant summary: SPAST c.1841C>T (p.Thr614Ile) results in a non-conservative change in the second-to-last amino acid of the encoded protein sequence. Three of five in-silico tools predict a damaging effect of the variant on protein function. The variant was absent in 251202 control chromosomes (gnomAD). c.1841C>T has been reported in the literature to segregate with disease in multiple members of one family affected with hereditary spastic paraplegia and congenital arachnoid cysts, however it was not reported what the variant status in unaffected members of the family was for a complete segregation analysis (Orlacchio_2004). Nevertheless, the variant has been reported by other studies in additional patients affected with spastic paraplegia (Fei_2011, Zhu_2019). These data indicate that the variant is likely to be associated with disease. To our knowledge, no experimental evidence demonstrating an impact on protein function has been reported. A ClinVar submitter (evaluation after 2014) cites the variant as uncertain significance while another ClinVar submitter (evaluation after 2014) cites it as pathogenic. Based on the evidence outlined above, the variant was classified as likely pathogenic.

Mendelics
Classification: Pathogenic for Hereditary spastic paraplegia 4. Last evaluated: 2019-05-28. Review status: criteria provided, single submitter. Criteria: Mendelics Assertion Criteria 2017. Collection method: clinical testing. Allele origin: unknown.

Genome Diagnostics Laboratory, The Hospital for Sick Children
Classification: Likely pathogenic for Hereditary spastic paraplegia. Last evaluated: 2017-11-01. Review status: criteria provided, single submitter. Criteria: ACMG Guidelines, 2015. Collection method: clinical testing. Allele origin: germline. Affected: yes.

Literature cited by the submitters: PubMed 15159500 (cited by 3 submitters); PubMed 21834905 (cited by 3 submitters); PubMed 31751864 (cited by Women's Health and Genetics/Laboratory Corporation of America, LabCorp).